The following is an entry in ClinVar:

NM_018489.3(ASH1L):c.5668C>G (p.Pro1890Ala)

Gene: ASH1L (ASH1 like histone lysine methyltransferase; minus strand). Cytogenetic location: 1q22.
Variant type: single nucleotide variant.
Coding change: c.5668C>G on transcript NM_018489.3 (MANE Select); coding-DNA position 5668, C replaced by G.
Protein change: p.Pro1890Ala; replaces proline 1890 with alanine.
Molecular consequence: missense variant.
Genome position (GRCh38, 1-based): chr1:155,438,487, G>C on the plus strand (C>G on the coding strand, the complement: ASH1L is on the minus strand). VCF-style: chr1-155438487-G-C. GRCh37 (hg19) VCF-style: chr1-155408278-G-C.
Other names: c.5668C>G, p.Pro1890Ala (NM_001366177.2); short protein forms P1890A.
Identifiers: ClinVar variation 5008249 (VCV005008249.1).

ClinVar aggregate classification (germline): Uncertain significance (1 of 4 stars; one submission).

Submission:

GeneDx
Classification: Uncertain significance. Last evaluated: 2026-02-28. Review status: criteria provided, single submitter. Criteria: GeneDx Variant Classification Process June 2021. Collection method: clinical testing. Allele origin: germline.
Comment: Not observed at significant frequency in large population cohorts (gnomAD); In silico analysis suggests that this missense variant does not alter protein structure/function; Has not been previously published as pathogenic or benign to our knowledge